The following is an entry in ClinVar:

ClinVar aggregate classification (germline): Benign. Review status: criteria provided, multiple submitters, no conflicts (2 of 4 stars). 2 submissions from 2 submitters: Benign (2). Last evaluated 2018-06-14.

Allele frequency attached by ClinVar (database versions not stated): gnomAD 0.01650 and 0.01774; TOPMed 0.01904; 1000 Genomes Project 0.02037; 1000 Genomes Project 30x 0.02233.
gnomAD v4.1: 2,489 of 152,122 alleles (1.6%); highest among the groups gnomAD compares: African/African-American, 5.6%; 64 homozygotes.

Submissions (2):

GeneDx
Classification: Benign. Last evaluated: 2018-06-14. Review status: criteria provided, single submitter. Criteria: GeneDx Variant Classification (06012015). Collection method: clinical testing. Allele origin: germline. Affected: yes.
Comment: This variant is considered likely benign or benign based on one or more of the following criteria: it is a conservative change, it occurs at a poorly conserved position in the protein, it is predicted to be benign by multiple in silico algorithms, and/or has population frequency not consistent with disease.

Breakthrough Genomics
Classification: Benign. Review status: criteria provided, single submitter. Criteria: ACMG Guidelines, 2015. Collection method: not provided. Allele origin: germline. Inheritance: Autosomal dominant inheritance. Affected: yes.

NM_003098.3(SNTA1):c.1237+158T>C

Gene: SNTA1 (syntrophin alpha 1; minus strand). Cytogenetic location: 20q11.21.
Variant type: single nucleotide variant.
Coding change: c.1237+158T>C on transcript NM_003098.3 (MANE Select); 158 bases into the intron after coding-DNA position 1237, T replaced by C.
Molecular consequence: intron variant.
Genome position (GRCh38, 1-based): chr20:33,409,977, A>G on the plus strand (T>C on the coding strand, the complement: SNTA1 is on the minus strand). VCF-style: chr20-33409977-A-G. GRCh37 (hg19) VCF-style: chr20-31997783-A-G.
Identifiers: ClinVar variation 675444 (VCV000675444.2), dbSNP rs142832155, ClinGen allele CA313251923.